The following is an entry in ClinVar:

ClinVar aggregate classification (germline): Uncertain significance (1 of 4 stars; one submission).

Conditions:
Giant axonal neuropathy 1 (GAN1). Also called: GIANT AXONAL NEUROPATHY 1, AUTOSOMAL RECESSIVE; GAN-Related Neurodegeneration. Identifiers: Orphanet 643, MedGen C1850386, MONDO:0009749, OMIM 256850.

Allele frequency attached by ClinVar (database versions not stated): gnomAD exomes 0.00001; TOPMed below 0.00001.
gnomAD v4.1: 8 of 1,614,004 alleles (0.0005%); highest among the groups gnomAD compares: South Asian, 0.0011%; no homozygotes.

Submission:

Labcorp Genetics (formerly Invitae), Labcorp
Classification: Uncertain significance for Giant axonal neuropathy 1. Last evaluated: 2021-04-27. Review status: criteria provided, single submitter. Criteria: Invitae Variant Classification Sherloc (09022015). Collection method: clinical testing. Allele origin: germline.
Comment: In summary, the available evidence is currently insufficient to determine the role of this variant in disease. Therefore, it has been classified as a Variant of Uncertain Significance. Algorithms developed to predict the effect of missense changes on protein structure and function are either unavailable or do not agree on the potential impact of this missense change (SIFT: "Deleterious"; PolyPhen-2: "Possibly Damaging"; Align-GVGD: "Class C0"). This variant has not been reported in the literature in individuals with GAN-related conditions. This variant is not present in population databases (ExAC no frequency). This sequence change replaces arginine with cysteine at codon 567 of the GAN protein (p.Arg567Cys). The arginine residue is moderately conserved and there is a large physicochemical difference between arginine and cysteine.

NM_022041.4(GAN):c.1699C>T (p.Arg567Cys)

Gene: GAN (gigaxonin; plus strand). Cytogenetic location: 16q23.2.
Variant type: single nucleotide variant.
Coding change: c.1699C>T on transcript NM_022041.4 (MANE Select); coding-DNA position 1699, C replaced by T.
Protein change: p.Arg567Cys; replaces arginine 567 with cysteine.
Molecular consequence: missense variant.
Genome position (GRCh38, 1-based): chr16:81,377,501, C>T. VCF-style: chr16-81377501-C-T. GRCh37 (hg19) VCF-style: chr16-81411106-C-T.
Other names: c.1060C>T, p.Arg354Cys (NM_001377486.1); short protein forms R567C, R354C.
Identifiers: ClinVar variation 1488495 (VCV001488495.8), dbSNP rs886052335, ClinGen allele CA396892436.